The following is an entry in ClinVar:

NM_017636.4(TRPM4):c.1603G>T (p.Glu535Ter)

Gene: TRPM4 (transient receptor potential cation channel subfamily M member 4; plus strand). Cytogenetic location: 19q13.33.
Variant type: single nucleotide variant.
Coding change: c.1603G>T on transcript NM_017636.4 (MANE Select); coding-DNA position 1603, G replaced by T.
Protein change: p.Glu535Ter; replaces glutamic acid 535 with a stop codon.
Molecular consequence: nonsense. On other transcripts: intron variant (1).
Genome position (GRCh38, 1-based): chr19:49,182,917, G>T. VCF-style: chr19-49182917-G-T. GRCh37 (hg19) VCF-style: chr19-49686174-G-T.
Other names: c.1603G>T, p.Glu535Ter (NM_001195227.2); c.1258G>T, p.Glu420Ter (NM_001321281.2); c.1081G>T, p.Glu361Ter (NM_001321283.2); c.541G>T, p.Glu181Ter (NM_001321285.2); c.-1+50G>T (NM_001321282.2); short protein forms E181*, E361*, E420*, E535*.
Identifiers: ClinVar variation 1316165 (VCV001316165.3), dbSNP rs748187859, ClinGen allele CA9569231.
Genomic context (GRCh38, chr19:49,182,917, plus strand): 5'-TGCGCGCCGAGGTACCCCTCCGGGGGCGCCTGGGACCCTCACCCAGGCCAGGGCTTCGGG[G>T]AGAGCGTAAGGACCGGGCAAAGCTGGGGGGCCCCCCCGCGCGGGAAGGACCTGGGGGCGG-3'

ClinVar aggregate classification (germline): Uncertain significance. Review status: criteria provided, multiple submitters, no conflicts (2 of 4 stars). 2 submissions from 2 submitters: Uncertain significance (2). Last evaluated 2021-07-21.

Conditions:
Progressive familial heart block type IB (PFHB1B). Identifiers: Orphanet 871, MedGen C1970298, MONDO:0011474, OMIM 604559.
Erythrokeratodermia variabilis et progressiva 6. Identifiers: MedGen C5193144, MONDO:0032801, OMIM 618531.

gnomAD v4.1: 15 of 1,592,234 alleles (0.00094%); highest among the groups gnomAD compares: Non-Finnish European, 0.0013%; no homozygotes.

Submissions (2):

Fulgent Genetics
Classification: Uncertain significance for Progressive familial heart block type IB; Erythrokeratodermia variabilis et progressiva 6. Last evaluated: 2021-07-21. Review status: criteria provided, single submitter. Criteria: ACMG Guidelines, 2015. Collection method: clinical testing. Allele origin: unknown.

GeneDx
Classification: Uncertain significance. Last evaluated: 2019-07-17. Review status: criteria provided, single submitter. Criteria: GeneDx Variant Classification Process June 2021. Collection method: clinical testing. Allele origin: germline. Affected: yes.
Comment: Has not been previously published as pathogenic or benign to our knowledge; Not observed at a significant frequency in large population cohorts (Lek et al., 2016); Nonsense variant predicted to result in protein truncation or nonsense mediated decay in a gene for which loss-of-function is not a known mechanism of disease